The following is an entry in ClinVar:

NM_005488.3(TOM1):c.1401G>C (p.Gly467=)

Gene: TOM1 (target of myb1 membrane trafficking protein; plus strand). Cytogenetic location: 22q12.3.
Variant type: single nucleotide variant.
Coding change: c.1401G>C on transcript NM_005488.3 (MANE Select); coding-DNA position 1401, G replaced by C.
Protein change: p.Gly467=; no amino-acid change (glycine 467 retained).
Molecular consequence: synonymous variant. On other transcripts: non-coding transcript variant (3).
Genome position (GRCh38, 1-based): chr22:35,347,131, G>C. VCF-style: chr22-35347131-G-C. GRCh37 (hg19) VCF-style: chr22-35743124-G-C.
Other names: c.1305G>C, p.Gly435= (NM_001135729.2); c.1266G>C, p.Gly422= (NM_001135730.2); c.1404G>C, p.Gly468= (NM_001135732.2).
Identifiers: ClinVar variation 2688096 (VCV002688096.2), dbSNP rs2071745, ClinGen allele CA10204549.

ClinVar aggregate classification (germline): Benign (1 of 4 stars; one submission).

Allele frequency attached by ClinVar (database versions not stated): 1000 Genomes Project 0.33027; ESP Exome Variant Server 0.34077; 1000 Genomes Project 30x 0.34244; TOPMed 0.34884.

Submission:

Unidad de Genómica Garrahan, Hospital de Pediatría Garrahan
Classification: Benign. Last evaluated: 2024-01-24. Review status: criteria provided, single submitter. Criteria: ACMG Guidelines, 2015. Collection method: clinical testing. Allele origin: germline. Affected: no. Observed: 52 variant alleles.
Comment: This variant is classified as Benign based on local population frequency. This variant was detected in 55% of patients studied by a panel of primary immunodeficiencies. Number of patients: 52. Only high quality variants are reported.